The following is an entry in ClinVar:

ClinVar aggregate classification (germline): Uncertain significance (1 of 4 stars; one submission).

gnomAD v4.1: 112 of 1,611,870 alleles (0.0069%); highest among the groups gnomAD compares: Middle Eastern, 0.033%; no homozygotes.

Submission:

Women's Health and Genetics/Laboratory Corporation of America, LabCorp
Classification: Uncertain significance. Last evaluated: 2024-11-13. Review status: criteria provided, single submitter. Criteria: LabCorp Variant Classification Summary - May 2015. Collection method: clinical testing. Allele origin: germline.
Comment: Variant summary: TBCD c.2935C>T (p.Arg979Cys) results in a non-conservative amino acid change in the encoded protein sequence. Four of five in-silico tools predict a damaging effect of the variant on protein function. The variant allele was found at a frequency of 6.9e-05 in 247394 control chromosomes. This frequency is not significantly higher than estimated for a pathogenic variant in TBCD causing Encephalopathy, Early Onset, allowing no conclusion about variant significance. To our knowledge, no occurrence of c.2935C>T in individuals affected with Encephalopathy, Early Onset and no experimental evidence demonstrating its impact on protein function have been reported. No submitters have cited clinical-significance assessments for this variant to ClinVar. Based on the evidence outlined above, the variant was classified as uncertain significance.

NM_005993.5(TBCD):c.2935C>T (p.Arg979Cys)

Gene: TBCD (tubulin folding cofactor D). Cytogenetic location: 17q25.3.
Variant type: single nucleotide variant.
Coding change: c.2935C>T on transcript NM_005993.5 (MANE Select); coding-DNA position 2935, C replaced by T.
Protein change: p.Arg979Cys; replaces arginine 979 with cysteine.
Molecular consequence: missense variant.
Genome position (GRCh38, 1-based): chr17:82,929,444, C>T. VCF-style: chr17-82929444-C-T. GRCh37 (hg19) VCF-style: chr17-80887320-C-T.
Other names: c.2884C>T, p.Arg962Cys (NM_001411101.1); c.2854C>T, p.Arg952Cys (NM_001411102.1); short protein forms R952C, R962C, R979C.
Identifiers: ClinVar variation 3629650 (VCV003629650.1).